The following is an entry in ClinVar:

NM_001848.3(COL6A1):c.1945G>A (p.Glu649Lys)

Gene: COL6A1 (collagen type VI alpha 1 chain; plus strand). Cytogenetic location: 21q22.3.
Variant type: single nucleotide variant.
Coding change: c.1945G>A on transcript NM_001848.3 (MANE Select); coding-DNA position 1945, G replaced by A.
Protein change: p.Glu649Lys; replaces glutamic acid 649 with lysine.
Molecular consequence: missense variant.
Genome position (GRCh38, 1-based): chr21:46,001,375, G>A. VCF-style: chr21-46001375-G-A. GRCh37 (hg19) VCF-style: chr21-47421289-G-A.
Other names: short protein forms E649K.
Identifiers: ClinVar variation 522912 (VCV000522912.17), dbSNP rs764129993, ClinGen allele CA10070661.
Genomic context (GRCh38, chr21:46,001,375, plus strand): 5'-CAGAACTTCGAGATTGCCAAGGACTTCGTCGTCAAGGTCATCGACCGGCTGAGCCGGGAC[G>A]AGCTGGTCAAGGTGAGGCCTCGCCCCGCCCGGCTTTCTCAAGCCCAGGTGCACCCCGACC-3'
Protein context (NP_001839.2, residues 639-659): VKVIDRLSRD[Glu649Lys]LVKFEPGQSY

ClinVar aggregate classification (germline): Benign/Likely benign. Review status: criteria provided, multiple submitters, no conflicts (2 of 4 stars). 3 submissions from 3 submitters: Benign (2); Likely benign (1). Last evaluated 2025-02-18.

Conditions:
Bethlem myopathy 1A. Also called: MYOPATHY, BENIGN CONGENITAL, WITH CONTRACTURES; Bethlem myopathy 1; Bethlem Muscular Dystrophy. Identifiers: Orphanet 610, MedGen CN029274, MONDO:0024530, OMIM 158810.

Allele frequency attached by ClinVar (database versions not stated): TOPMed 0.00001; gnomAD 0.00004.
gnomAD v4.1: 35 of 1,611,454 alleles (0.0022%); highest among the groups gnomAD compares: Admixed American, 0.0033%; no homozygotes.

Submissions (3):

Labcorp Genetics (formerly Invitae), Labcorp
Classification: Benign for Bethlem myopathy 1A. Last evaluated: 2025-02-18. Review status: criteria provided, single submitter. Criteria: Invitae Variant Classification Sherloc (09022015). Collection method: clinical testing. Allele origin: germline.

Genomic Research Center, Shahid Beheshti University of Medical Sciences
Classification: Benign for Bethlem myopathy 1A. Last evaluated: 2024-05-11. Review status: criteria provided, single submitter. Criteria: ACMG Guidelines, 2015. Collection method: clinical testing. Allele origin: inherited. Affected: yes.

Women's Health and Genetics/Laboratory Corporation of America, LabCorp
Classification: Likely benign. Last evaluated: 2023-11-13. Review status: criteria provided, single submitter. Criteria: LabCorp Variant Classification Summary - May 2015. Collection method: clinical testing. Allele origin: germline.
Comment: Variant summary: COL6A1 c.1945G>A (p.Glu649Lys) results in a conservative amino acid change located in the von Willebrand factor, type A domain (IPR002035) of the encoded protein sequence. Three of five in-silico tools predict a benign effect of the variant on protein function. The variant allele was found at a frequency of 2.2e-05 in 1611454 control chromosomes (gnomAD). The observed variant frequency is approximately 45.73 fold of the estimated maximal expected allele frequency for a pathogenic variant in COL6A1 causing Collagen Type VI-Related Disorders phenotype (4.8e-07), strongly suggesting that the variant is benign. c.1945G>A has not been reported in the literature in individuals affected with Collagen Type VI-Related Disorders. To our knowledge, no experimental evidence demonstrating an impact on protein function has been reported. The following publication has been ascertained in the context of this evaluation (PMID: 31589614). Two submitters have cited clinical-significance assessments for this variant to ClinVar after 2014. One submitter classified the variant as likely pathogenic, and one submitter classified the variant as benign. Based on the evidence outlined above, the variant was classified as likely benign.

Literature cited by the submitters: PubMed 31589614 (cited by Women's Health and Genetics/Laboratory Corporation of America, LabCorp).